The following is an entry in ClinVar:

NM_020458.4(TTC7A):c.27C>T (p.Ser9=)

Genes: MCFD2 (multiple coagulation factor deficiency 2, ER cargo receptor complex subunit; minus strand), TTC7A (tetratricopeptide repeat domain 7A; plus strand). Cytogenetic location: 2p21.
Variant type: single nucleotide variant.
Coding change: c.27C>T on transcript NM_020458.4 (MANE Select); coding-DNA position 27, C replaced by T.
Protein change: p.Ser9=; no amino-acid change (serine 9 retained).
Molecular consequence: synonymous variant. On other transcripts: 5 prime UTR variant (1), intron variant (3).
Genome position (GRCh38, 1-based): chr2:46,941,568, C>T. VCF-style: chr2-46941568-C-T. GRCh37 (hg19) VCF-style: chr2-47168707-C-T.
Other names: c.27C>T, p.Ser9= (NM_001288951.2); c.-878C>T (NM_001288955.2); c.-7+4G>A (NM_001171508.2); c.92+4G>A (NM_001171511.3); c.83-8795C>T (NM_001288953.2).
Identifiers: ClinVar variation 808739 (VCV000808739.46), dbSNP rs1572670688, ClinGen allele CA425946881.
Genomic context (GRCh38, chr2:46,941,568, plus strand): 5'-TGGCCGCACCTTCCATGACAGCGCCCGCGAGAAGATGGCTGCGAAGGGCGCGCACGGCTC[C>T]TACCTGAAGGTGGAGAGCGAGCTGGAGCGCTGCCGCGCCGAGGGCCACTGGGACCGCATG-3'
Protein context (NP_065191.2, residues 1-19): MAAKGAHG[Ser9=]YLKVESELER

ClinVar aggregate classification (germline): Likely benign. Review status: criteria provided, multiple submitters, no conflicts (2 of 4 stars). 2 submissions from 2 submitters: Likely benign (2). Last evaluated 2023-12-01.

Conditions:
Multiple gastrointestinal atresias. Also called: Multiple intestinal atresia; FAMILIAL INTESTINAL POLYATRESIA SYNDROME. Identifiers: Orphanet 2300, MedGen C0220744, MONDO:0009465.

gnomAD v4.1: 3 of 1,557,114 alleles (0.00019%); highest among the groups gnomAD compares: African/African-American, 0.0014%; no homozygotes.

Submissions (2):

CeGaT Center for Human Genetics Tuebingen
Classification: Likely benign. Last evaluated: 2023-12-01. Review status: criteria provided, single submitter. Criteria: CeGaT Center For Human Genetics Tuebingen Variant Classification Criteria Version 2. Collection method: clinical testing. Allele origin: germline. Affected: yes. Observed: 3 variant alleles.
Comment: TTC7A: PM2:Supporting, BP4, BP7

Labcorp Genetics (formerly Invitae), Labcorp
Classification: Likely benign for Multiple gastrointestinal atresias. Last evaluated: 2022-07-12. Review status: criteria provided, single submitter. Criteria: Invitae Variant Classification Sherloc (09022015). Collection method: clinical testing. Allele origin: germline.